The following is an entry in ClinVar:

NM_001177701.3(IFT27):c.322C>G (p.Arg108Gly)

Genes: CACNG2-DT (CACNG2 divergent transcript; plus strand), IFT27 (intraflagellar transport 27; minus strand). Cytogenetic location: 22q12.3.
Variant type: single nucleotide variant.
Coding change: c.322C>G on transcript NM_001177701.3 (MANE Select); coding-DNA position 322, C replaced by G.
Protein change: p.Arg108Gly; replaces arginine 108 with glycine.
Molecular consequence: missense variant.
Genome position (GRCh38, 1-based): chr22:36,763,949, G>C on the plus strand (C>G on the coding strand, the complement: IFT27 is on the minus strand). VCF-style: chr22-36763949-G-C. GRCh37 (hg19) VCF-style: chr22-37159993-G-C.
Other names: c.322C>G, p.Arg108Gly (NM_001363003.2); c.319C>G, p.Arg107Gly (NM_006860.5); short protein forms R107G, R108G.
Identifiers: ClinVar variation 3354017 (VCV003354017.1).

ClinVar aggregate classification (germline): Uncertain significance (0 of 4 stars; one submission).

Conditions:
IFT27-related disorder. Also called: IFT27-related condition.

Submission:

PreventionGenetics, part of Exact Sciences
Classification: Uncertain significance for IFT27-related condition. Last evaluated: 2024-04-25. Review status: no assertion criteria provided. Collection method: clinical testing. Allele origin: germline.
Comment: The IFT27 c.319C>G variant is predicted to result in the amino acid substitution p.Arg107Gly. To our knowledge, this variant has not been reported in the literature or in a large population database, indicating this variant is rare. At this time, the clinical significance of this variant is uncertain due to the absence of conclusive functional and genetic evidence.